The following is an entry in ClinVar:

ClinVar aggregate classification (germline): Likely benign (0 of 4 stars; one submission).

Conditions:
NCAPD3-related disorder. Also called: NCAPD3-related condition.

Allele frequency attached by ClinVar (database versions not stated): gnomAD exomes 0.00003; gnomAD 0.00004; ExAC 0.00005; TOPMed 0.00009.
gnomAD v4.1: 53 of 1,546,196 alleles (0.0034%); highest among the groups gnomAD compares: Admixed American, 0.034%; no homozygotes.

Submission:

PreventionGenetics, part of Exact Sciences
Classification: Likely benign for NCAPD3-related condition. Last evaluated: 2022-09-27. Review status: no assertion criteria provided. Collection method: clinical testing. Allele origin: germline.
Comment: This variant is classified as likely benign based on ACMG/AMP sequence variant interpretation guidelines (Richards et al. 2015 PMID: 25741868, with internal and published modifications).

NM_015261.3(NCAPD3):c.4497A>G (p.Ter1499=)

Gene: NCAPD3 (non-SMC condensin II complex subunit D3; minus strand). Cytogenetic location: 11q25.
Variant type: single nucleotide variant.
Coding change: c.4497A>G on transcript NM_015261.3 (MANE Select); coding-DNA position 4497, A replaced by G.
Protein change: p.Ter1499=.
Molecular consequence: synonymous variant. On other transcripts: intron variant (1).
Genome position (GRCh38, 1-based): chr11:134,152,944, T>C on the plus strand (A>G on the coding strand, the complement: NCAPD3 is on the minus strand). VCF-style: chr11-134152944-T-C. GRCh37 (hg19) VCF-style: chr11-134022839-T-C.
Other names: c.4455A>G, p.Ter1485= (NM_001372068.1); c.4083A>G, p.Ter1361= (NM_001372069.1, NM_001372070.1); c.4327+345A>G (NM_001372065.1).
Identifiers: ClinVar variation 3058631 (VCV003058631.2), dbSNP rs747180381, ClinGen allele CA6370348.